The following is an entry in ClinVar:

NM_000277.3(PAH):c.169-13T>G

Gene: PAH (phenylalanine hydroxylase; minus strand). Cytogenetic location: 12q23.2.
Variant type: single nucleotide variant.
Coding change: c.169-13T>G on transcript NM_000277.3 (MANE Select); 13 bases into the intron before coding-DNA position 169, T replaced by G.
Molecular consequence: intron variant.
Genome position (GRCh38, 1-based): chr12:102,894,931, A>C on the plus strand (T>G on the coding strand, the complement: PAH is on the minus strand). VCF-style: chr12-102894931-A-C. GRCh37 (hg19) VCF-style: chr12-103288709-A-C.
Other names: NM_000277.2(PAH):c.169-13T>G; c.169-13T>G (NM_001354304.2, NM_000277.2).
Identifiers: ClinVar variation 102611 (VCV000102611.21), dbSNP rs62507341, ClinGen allele CA229460.

ClinVar aggregate classification (germline): Likely pathogenic. Review status: reviewed by expert panel (3 of 4 stars). 7 submissions from 7 submitters: Likely pathogenic (1). 6 of the submissions do not count toward it. Last evaluated 2020-08-17.

Conditions:
PAH-related disorder. Also called: PAH-related condition.
Phenylketonuria (PKU). Also called: Phenylketonuria (PKU); FOLLING DISEASE; OLIGOPHRENIA PHENYLPYRUVICA; Phenylketonurias. Identifiers: Orphanet 716, MedGen C0031485, MONDO:0009861, OMIM 261600. Disease mechanism: loss of function.

Allele frequency attached by ClinVar (database versions not stated): gnomAD exomes below 0.00001; TOPMed below 0.00001; gnomAD 0.00001.
gnomAD v4.1: 4 of 1,607,122 alleles (0.00025%); highest among the groups gnomAD compares: Non-Finnish European, 0.00034%; no homozygotes.

Submissions (7):

ClinGen PAH Variant Curation Expert Panel
Classification: Likely pathogenic for Phenylketonuria. Last evaluated: 2020-08-17. Review status: reviewed by expert panel. Criteria: ClinGen PAH ACMG Specifications v1. Collection method: curation. Allele origin: germline. Inheritance: Autosomal recessive inheritance.
Comment: The c.169-13T>G variant in PAH has been reported in multiple individuals with PAH deficiency (BH4 deficiency excluded, PMID: 9521426, PMID: 21147011). This variant has extremely low frequency in gnomAD (MAF=0.00001). This variant was detected with pathogenic variants: IVS10-11G>A (PMID: 21147011); p.L213P (PMID: 9521426); p.R158Q (PMID: 12640344); p.Y356X (c.1068C > G in 1 patient and c.1068C > A in 1 patient, PMID: 30389586). Computational evidence support a deleterious effect on splicing. In summary, this variant meets criteria to be classified as likely pathogenic for PAH. PAH-specific ACMG/AMP criteria applied: PP4_Moderate, PM2, PM3_strong, PP3.

Natera, Inc.
Classification: Pathogenic for Phenylketonuria. Last evaluated: 2026-01-23. Review status: criteria provided, single submitter. Criteria: Natera Variant Classification Schema (03/2026). Collection method: clinical testing. Allele origin: germline. Not counted in ClinVar's aggregate classification.
Comment: The c.169-13T>G variant in PAH is an intronic variant located outside the canonical splice sites. This variant is rare in the general population with a frequency below the threshold expected for the associated phenotype(s). This variant has been observed in one or more individuals affected with the associated recessive disease, as either homozygous or compound heterozygous with a second variant (PMID: 26542770, 21147011, 15943553, 12765842, 12640344). Computational prediction algorithms indicate this variant is likely to affect gene or protein function. Given the available evidence, this variant is classified as Pathogenic.

Labcorp Genetics (formerly Invitae), Labcorp
Classification: Pathogenic for Phenylketonuria. Last evaluated: 2025-07-01. Review status: criteria provided, single submitter. Criteria: Invitae Variant Classification Sherloc (09022015). Collection method: clinical testing. Allele origin: germline. Not counted in ClinVar's aggregate classification.
Comment: This sequence change falls in intron 2 of the PAH gene. It does not directly change the encoded amino acid sequence of the PAH protein. This variant is present in population databases (rs62507341, gnomAD 0.0009%). This variant has been observed in individual(s) with phenylketonuria (PMID: 9521426, 30389586). In at least one individual the data is consistent with being in trans (on the opposite chromosome) from a pathogenic variant. This variant is also known as IVS2-13T>G. ClinVar contains an entry for this variant (Variation ID: 102611). Algorithms developed to predict the effect of sequence changes on RNA splicing suggest that this variant may disrupt the consensus splice site. For these reasons, this variant has been classified as Pathogenic.

Blueprint Genetics
Classification: Pathogenic for PAH-related disorders. Last evaluated: 2024-10-30. Review status: criteria provided, single submitter. Criteria: ACMG Guidelines, 2015. Collection method: clinical testing. Allele origin: germline. Affected: yes. Observed: 3 variant alleles. Not counted in ClinVar's aggregate classification.

GeneDx
Classification: Likely pathogenic. Last evaluated: 2022-09-23. Review status: criteria provided, single submitter. Criteria: GeneDx Variant Classification Process June 2021. Collection method: clinical testing. Allele origin: germline. Affected: yes. Not counted in ClinVar's aggregate classification.
Comment: In silico analysis supports a deleterious effect on splicing; Not observed at significant frequency in large population cohorts (gnomAD); This variant is associated with the following publications: (PMID: 9521426, 12655550, 34426522, 10394930, 32668217)

Illumina Laboratory Services, Illumina
Classification: Pathogenic for Phenylketonuria. Last evaluated: 2018-12-06. Review status: criteria provided, single submitter. Criteria: ICSL Variant Classification Criteria 09 May 2019. Collection method: clinical testing. Allele origin: germline. Not counted in ClinVar's aggregate classification.
Comment: The PAH c.169-13T>G intron variant has been reported in five studies and is found in a total of seven individuals with phenylalanine hydroxylase deficiency including in six in a compound heterozygous state and in one in a heterozygous state where the second variant could not be identified (Bosco et al. 1998; Kasnauskiene et al. 2003; Kasnauskiene et al. 2008; ZurflÃ¼h et al. 2008; Esfahani et al. 2018). Control data are unavailable for this variant which is reported at a frequency of 0.000009 in the European (non-Finnish) population of the Genome Aggregation Database. This is based on one allele only in a region with good coverage, suggesting that this is a rare variant. Authors predict this variant may activate a cryptic splice site, but no supporting evidence is provided (Bosco et al. 1998). Based on the clinical evidence, the c.169-13T>G variant is classified as pathogenic for phenylalanine hydroxylase deficiency. This variant was observed by ICSL as part of a predisposition screen in an ostensibly healthy population.

DeBelle Laboratory for Biochemical Genetics, MUHC/MCH RESEARCH INSTITUTE
No classification provided. Review status: no classification provided. Collection method: not provided. Allele origin: not provided. Not counted in ClinVar's aggregate classification.

Literature cited by the submitters: PubMed 21147011 (cited by ClinGen PAH Variant Curation Expert Panel and Natera, Inc.); PubMed 9521426 (cited by 3 submitters); PubMed 26542770 (cited by Natera, Inc.); PubMed 15943553 (cited by Natera, Inc.); PubMed 12765842 (cited by Natera, Inc.); PubMed 12640344 (cited by Natera, Inc.); PubMed 30389586 (cited by Labcorp Genetics (formerly Invitae), Labcorp and Illumina Laboratory Services, Illumina); PubMed 19062537 (cited by Illumina Laboratory Services, Illumina); PubMed 17935162 (cited by Illumina Laboratory Services, Illumina); PubMed 12655550 (cited by Illumina Laboratory Services, Illumina).